The following is an entry in ClinVar:

ClinVar aggregate classification (germline): Uncertain significance. Review status: criteria provided, multiple submitters, no conflicts (2 of 4 stars). 2 submissions from 2 submitters: Uncertain significance (2). Last evaluated 2025-06-02.

gnomAD v4.1: 1 of 1,614,166 alleles (0.000062%); highest among the groups gnomAD compares: Non-Finnish European, 0.000085%; no homozygotes.

Submissions (2):

Labcorp Genetics (formerly Invitae), Labcorp
Classification: Uncertain significance. Last evaluated: 2025-06-02. Review status: criteria provided, single submitter. Criteria: Invitae Variant Classification Sherloc (09022015). Collection method: clinical testing. Allele origin: germline.
Comment: This sequence change replaces alanine, which is neutral and non-polar, with valine, which is neutral and non-polar, at codon 1138 of the ARID1B protein (p.Ala1138Val). This variant is not present in population databases (gnomAD no frequency). This variant has not been reported in the literature in individuals affected with ARID1B-related conditions. Invitae Evidence Modeling of protein sequence and biophysical properties (such as structural, functional, and spatial information, amino acid conservation, physicochemical variation, residue mobility, and thermodynamic stability) has been performed for this missense variant. However, the output from this modeling did not meet the statistical confidence thresholds required to predict the impact of this variant on ARID1B protein function. In summary, the available evidence is currently insufficient to determine the role of this variant in disease. Therefore, it has been classified as a Variant of Uncertain Significance.

Blueprint Genetics
Classification: Uncertain significance. Last evaluated: 2023-11-06. Review status: criteria provided, single submitter. Criteria: ACMG Guidelines, 2015. Collection method: clinical testing. Allele origin: germline.

NM_001374828.1(ARID1B):c.3782C>T (p.Ala1261Val)

Gene: ARID1B (AT-rich interaction domain 1B; plus strand). Cytogenetic location: 6q25.3.
Variant type: single nucleotide variant.
Coding change: c.3782C>T on transcript NM_001374828.1 (MANE Select); coding-DNA position 3782, C replaced by T.
Protein change: p.Ala1261Val; replaces alanine 1261 with valine.
Molecular consequence: missense variant.
Genome position (GRCh38, 1-based): chr6:157,184,298, C>T. VCF-style: chr6-157184298-C-T. GRCh37 (hg19) VCF-style: chr6-157505432-C-T.
Other names: c.1283C>T, p.Ala428Val (NM_001363725.2); c.3662C>T, p.Ala1221Val (NM_001371656.1, NM_001374820.1); c.3911C>T, p.Ala1304Val (NM_001438482.1); c.3824C>T, p.Ala1275Val (NM_001438483.1); c.3692C>T, p.Ala1231Val (NM_001438485.1); c.3665C>T, p.Ala1222Val (NM_001438486.1); c.3602C>T, p.Ala1201Val (NM_001438487.1); c.1124C>T, p.Ala375Val (NM_001438488.1); and 1 more; short protein forms A1201V, A1208V, A1221V, A1222V, A1231V, A1261V, A1275V, A1304V.
Identifiers: ClinVar variation 4810518 (VCV004810518.2).